The following is an entry in ClinVar:

ClinVar aggregate classification (germline): Likely benign. Review status: criteria provided, multiple submitters, no conflicts (2 of 4 stars). 2 submissions from 2 submitters: Likely benign (2). Last evaluated 2025-11-01.

Conditions:
TIAM1-related disorder. Also called: TIAM1-related condition.

gnomAD v4.1: 1,502 of 1,598,254 alleles (0.094%); highest among the groups gnomAD compares: Non-Finnish European, 0.12%; 3 homozygotes.

Submissions (2):

CeGaT Center for Human Genetics Tuebingen
Classification: Likely benign. Last evaluated: 2025-11-01. Review status: criteria provided, single submitter. Criteria: CeGaT Center For Human Genetics Tuebingen Variant Classification Criteria Version 2. Collection method: clinical testing. Allele origin: germline. Affected: yes. Observed: 1 variant allele.
Comment: TIAM1: BP4, BP7

PreventionGenetics, part of Exact Sciences
Classification: Likely benign for TIAM1-related condition. Last evaluated: 2024-12-30. Review status: criteria provided, single submitter. Criteria: ACMG Guidelines, 2015. Collection method: clinical testing. Allele origin: germline.
Comment: This variant is classified as likely benign based on ACMG/AMP sequence variant interpretation guidelines (Richards et al. 2015 PMID: 25741868, with internal and published modifications).

NM_001353694.2(TIAM1):c.1833C>T (p.Leu611=)

Gene: TIAM1 (TIAM Rac1 associated GEF 1; minus strand). Cytogenetic location: 21q22.11.
Variant type: single nucleotide variant.
Coding change: c.1833C>T on transcript NM_001353694.2 (MANE Select); coding-DNA position 1833, C replaced by T.
Protein change: p.Leu611=; no amino-acid change (leucine 611 retained).
Molecular consequence: synonymous variant.
Genome position (GRCh38, 1-based): chr21:31,223,568, G>A on the plus strand (C>T on the coding strand, the complement: TIAM1 is on the minus strand). VCF-style: chr21-31223568-G-A. GRCh37 (hg19) VCF-style: chr21-32595884-G-A.
Other names: c.1833C>T, p.Leu611= (NM_001353686.2, NM_001353687.2, NM_001353688.1 and 6 more transcripts); c.1833C>T (NM_003253.2).
Identifiers: ClinVar variation 4533721 (VCV004533721.7).